The following is an entry in ClinVar:

ClinVar aggregate classification (germline): Likely benign. Review status: criteria provided, multiple submitters, no conflicts (2 of 4 stars). 2 submissions from 2 submitters: Likely benign (2). Last evaluated 2025-10-23.

Conditions:
ITGA3-related disorder. Also called: ITGA3-related condition.

Submissions (2):

PreventionGenetics, part of Exact Sciences
Classification: Likely benign for ITGA3-related condition. Last evaluated: 2025-10-23. Review status: criteria provided, single submitter. Criteria: ACMG Guidelines, 2015. Collection method: clinical testing. Allele origin: germline.
Comment: This variant is classified as likely benign based on ACMG/AMP sequence variant interpretation guidelines (Richards et al. 2015 PMID: 25741868, with internal and published modifications).

Labcorp Genetics (formerly Invitae), Labcorp
Classification: Likely benign. Last evaluated: 2024-02-02. Review status: criteria provided, single submitter. Criteria: Invitae Variant Classification Sherloc (09022015). Collection method: clinical testing. Allele origin: germline.

NM_002204.4(ITGA3):c.1119G>A (p.Val373=)

Gene: ITGA3 (integrin subunit alpha 3; plus strand). Cytogenetic location: 17q21.33.
Variant type: single nucleotide variant.
Coding change: c.1119G>A on transcript NM_002204.4 (MANE Select); coding-DNA position 1119, G replaced by A.
Protein change: p.Val373=; no amino-acid change (valine 373 retained).
Molecular consequence: synonymous variant.
Genome position (GRCh38, 1-based): chr17:50,072,145, G>A. VCF-style: chr17-50072145-G-A. GRCh37 (hg19) VCF-style: chr17-48149509-G-A.
Other names: c.1119G>A (NM_002204.3).
Identifiers: ClinVar variation 3620595 (VCV003620595.3).